The following is an entry in ClinVar:

ClinVar aggregate classification (germline): Likely benign (1 of 4 stars; one submission).

Allele frequency attached by ClinVar (database versions not stated): TOPMed below 0.00001.

Submission:

CeGaT Center for Human Genetics Tuebingen
Classification: Likely benign. Last evaluated: 2026-05-01. Review status: criteria provided, single submitter. Criteria: CeGaT Center For Human Genetics Tuebingen Variant Classification Criteria Version 2. Collection method: clinical testing. Allele origin: germline. Affected: yes. Observed: 3 variant alleles.
Comment: CD163L1: PM2:Supporting, BP4, BP7

NM_174941.6(CD163L1):c.3303T>C (p.Asp1101=)

Gene: CD163L1 (CD163 molecule like 1; minus strand). Cytogenetic location: 12p13.31.
Variant type: single nucleotide variant.
Coding change: c.3303T>C on transcript NM_174941.6 (MANE Select); coding-DNA position 3303, T replaced by C.
Protein change: p.Asp1101=; no amino-acid change (aspartic acid 1101 retained).
Molecular consequence: synonymous variant.
Genome position (GRCh38, 1-based): chr12:7,374,548, A>G on the plus strand (T>C on the coding strand, the complement: CD163L1 is on the minus strand). VCF-style: chr12-7374548-A-G. GRCh37 (hg19) VCF-style: chr12-7527144-A-G.
Other names: c.3333T>C, p.Asp1111= (NM_001297650.2).
Identifiers: ClinVar variation 2642673 (VCV002642673.24), dbSNP rs1947215196, ClinGen allele CA478207356.